The following is an entry in ClinVar:

NM_000292.3(PHKA2):c.1715-3T>C

Gene: PHKA2 (phosphorylase kinase regulatory subunit alpha 2; minus strand). Cytogenetic location: Xp22.13.
Variant type: single nucleotide variant.
Coding change: c.1715-3T>C on transcript NM_000292.3 (MANE Select); 3 bases into the intron before coding-DNA position 1715, T replaced by C.
Molecular consequence: intron variant.
Genome position (GRCh38, 1-based): chrX:18,924,137, A>G on the plus strand (T>C on the coding strand, the complement: PHKA2 is on the minus strand). VCF-style: chrX-18924137-A-G. GRCh37 (hg19) VCF-style: chrX-18942255-A-G.
Identifiers: ClinVar variation 506752 (VCV000506752.1), dbSNP rs1556002229, ClinGen allele CA658799600.

ClinVar aggregate classification (germline): Likely benign (1 of 4 stars; one submission).

Submission:

GeneDx
Classification: Likely benign. Last evaluated: 2017-01-12. Review status: criteria provided, single submitter. Criteria: GeneDx Variant Classification (06012015). Collection method: clinical testing. Allele origin: germline. Affected: yes.
Comment: This variant is considered likely benign or benign based on one or more of the following criteria: it is a conservative change, it occurs at a poorly conserved position in the protein, it is predicted to be benign by multiple in silico algorithms, and/or has population frequency not consistent with disease.